The following is an entry in ClinVar:

ClinVar aggregate classification (germline): Uncertain significance (1 of 4 stars; one submission).

Conditions:
Norman-Roberts syndrome (LIS2). Also called: Lissencephaly 2 (Norman-Roberts type). Identifiers: Orphanet 89844, MedGen C0796089, MONDO:0009760, OMIM 257320.
Familial temporal lobe epilepsy 7. Identifiers: Orphanet 101046, MedGen C4225327, MONDO:0014639, OMIM 616436.

gnomAD v4.1: 2 of 1,613,922 alleles (0.00012%); highest among the groups gnomAD compares: East Asian, 0.0022%; no homozygotes.

Submission:

Labcorp Genetics (formerly Invitae), Labcorp
Classification: Uncertain significance for Familial temporal lobe epilepsy 7; Norman-Roberts syndrome. Last evaluated: 2024-11-15. Review status: criteria provided, single submitter. Criteria: Invitae Variant Classification Sherloc (09022015). Collection method: clinical testing. Allele origin: germline.
Comment: This sequence change replaces arginine, which is basic and polar, with cysteine, which is neutral and slightly polar, at codon 2211 of the RELN protein (p.Arg2211Cys). This variant is present in population databases (rs759665968, gnomAD 0.006%). This missense change has been observed in individual(s) with RELN-related conditions (PMID: 32723706). Invitae Evidence Modeling of protein sequence and biophysical properties (such as structural, functional, and spatial information, amino acid conservation, physicochemical variation, residue mobility, and thermodynamic stability) has been performed for this missense variant. However, the output from this modeling did not meet the statistical confidence thresholds required to predict the impact of this variant on RELN protein function. Experimental studies have shown that this missense change affects RELN function (PMID: 32723706, 34508592). In summary, the available evidence is currently insufficient to determine the role of this variant in disease. Therefore, it has been classified as a Variant of Uncertain Significance.

Literature cited by the submitters: PubMed 32723706; PubMed 34508592.

NM_005045.4(RELN):c.6631C>T (p.Arg2211Cys)

Gene: RELN (reelin; minus strand). Cytogenetic location: 7q22.1.
Variant type: single nucleotide variant.
Coding change: c.6631C>T on transcript NM_005045.4 (MANE Select); coding-DNA position 6631, C replaced by T.
Protein change: p.Arg2211Cys; replaces arginine 2211 with cysteine.
Molecular consequence: missense variant.
Genome position (GRCh38, 1-based): chr7:103,542,771, G>A on the plus strand (C>T on the coding strand, the complement: RELN is on the minus strand). VCF-style: chr7-103542771-G-A. GRCh37 (hg19) VCF-style: chr7-103183218-G-A.
Other names: c.6631C>T, p.Arg2211Cys (NM_173054.3); short protein forms R2211C.
Identifiers: ClinVar variation 3748907 (VCV003748907.2).